The following is an entry in ClinVar:

NM_000754.4(COMT):c.289+9C>T

Gene: COMT (catechol-O-methyltransferase; plus strand). Cytogenetic location: 22q11.21.
Variant type: single nucleotide variant.
Coding change: c.289+9C>T on transcript NM_000754.4 (MANE Select); 9 bases into the intron after coding-DNA position 289, C replaced by T.
Molecular consequence: intron variant.
Genome position (GRCh38, 1-based): chr22:19,962,824, C>T. VCF-style: chr22-19962824-C-T. GRCh37 (hg19) VCF-style: chr22-19950347-C-T.
Other names: c.289+9C>T (NM_001362828.2, NM_001135161.2, NM_001135162.2); c.139+9C>T (NM_007310.3).
Identifiers: ClinVar variation 722444 (VCV000722444.5), dbSNP rs3218737, ClinGen allele CA10104506.

ClinVar aggregate classification (germline): Benign. Review status: criteria provided, single submitter (1 of 4 stars). 2 submissions from 2 submitters: Benign (1). 1 of the submissions does not count toward it. Last evaluated 2018-07-18.

Conditions:
COMT-related disorder. Also called: COMT-related condition.

Allele frequency attached by ClinVar (database versions not stated): ESP Exome Variant Server 0.00062; gnomAD 0.00085 and 0.00074; gnomAD exomes 0.00018 and 0.00009; ExAC 0.00021; TOPMed 0.00088.
gnomAD v4.1: 237 of 1,599,088 alleles (0.015%); highest among the groups gnomAD compares: African/African-American, 0.28%; no homozygotes.

Submissions (2):

Labcorp Genetics (formerly Invitae), Labcorp
Classification: Benign. Last evaluated: 2018-07-18. Review status: criteria provided, single submitter. Criteria: Invitae Variant Classification Sherloc (09022015). Collection method: clinical testing. Allele origin: germline.

PreventionGenetics, part of Exact Sciences
Classification: Likely benign for COMT-related condition. Last evaluated: 2020-01-03. Review status: no assertion criteria provided. Collection method: clinical testing. Allele origin: germline. Not counted in ClinVar's aggregate classification.
Comment: This variant is classified as likely benign based on ACMG/AMP sequence variant interpretation guidelines (Richards et al. 2015 PMID: 25741868, with internal and published modifications).